The following is an entry in ClinVar:

ClinVar aggregate classification (germline): Conflicting classifications of pathogenicity. Review status: criteria provided, conflicting classifications (1 of 4 stars). 3 submissions from 3 submitters: Uncertain significance (2); Likely benign (1). Last evaluated 2026-01-12.

Conditions:
TTN-related disorder. Also called: TTN-related disorders; TTN-related condition; TTN-related disease.

Allele frequency attached by ClinVar (database versions not stated): ExAC 0.00001; gnomAD 0.00002; gnomAD exomes 0.00002; TOPMed 0.00002.
gnomAD v4.1: 31 of 1,613,294 alleles (0.0019%); highest among the groups gnomAD compares: Non-Finnish European, 0.0024%; no homozygotes.

Submissions (3):

PreventionGenetics, part of Exact Sciences
Classification: Uncertain significance for TTN-related condition. Last evaluated: 2026-01-12. Review status: criteria provided, single submitter. Criteria: ACMG Guidelines, 2015. Collection method: clinical testing. Allele origin: germline.
Comment: The TTN c.81850G>A variant is predicted to result in the amino acid substitution p.Val27284Ile. To our knowledge, this variant has not been reported in the literature or in a large population database (gnomAD), indicating this variant is rare. At this time, the clinical significance of this variant is uncertain due to the absence of conclusive functional and genetic evidence.

Eurofins Ntd Llc (ga)
Classification: Uncertain significance. Last evaluated: 2017-06-27. Review status: criteria provided, single submitter. Criteria: EGL Classification Definitions 2015. Collection method: clinical testing. Allele origin: germline. Observed: 1 variant allele, 1 heterozygote.

Laboratory for Molecular Medicine, Mass General Brigham Personalized Medicine
Classification: Likely benign. Last evaluated: 2015-06-24. Review status: criteria provided, single submitter. Criteria: LMM Criteria. Collection method: clinical testing. Allele origin: germline. Observed: 1 variant allele.
Comment: p.Val24716Ile in exon 275 of TTN: This variant is not expected to have clinical significance due to a lack of conservation across species, including mammals. Of note, 3 mammals (Pacific walrus, Weddell seal, Cape golden mole) have a isoleuc ine at this position despite high nearby amino acid conservation. It has been id entified in 1/66714 European chromosomes by the Exome Aggregation Consortium (Ex AC).

NM_001267550.2(TTN):c.81850G>A (p.Val27284Ile)

Genes: TTN (titin; minus strand), TTN-AS1 (TTN antisense RNA 1; plus strand). Cytogenetic location: 2q31.2.
Variant type: single nucleotide variant.
Coding change: c.81850G>A on transcript NM_001267550.2 (MANE Select); coding-DNA position 81850, G replaced by A.
Protein change: p.Val27284Ile; replaces valine 27284 with isoleucine.
Molecular consequence: missense variant.
Genome position (GRCh38, 1-based): chr2:178,564,282, C>T on the plus strand (G>A on the coding strand, the complement: TTN is on the minus strand). VCF-style: chr2-178564282-C-T. GRCh37 (hg19) VCF-style: chr2-179429009-C-T.
Other names: c.74146G>A, p.Val24716Ile (NM_133378.4); c.76927G>A, p.Val25643Ile (NM_001256850.1); c.54655G>A, p.Val18219Ile (NM_003319.4); c.55030G>A, p.Val18344Ile (NM_133432.3); c.55231G>A, p.Val18411Ile (NM_133437.4); short protein forms V24716I, V27284I, V18344I, V18411I, V18219I, V25643I.
Identifiers: ClinVar variation 228149 (VCV000228149.10), dbSNP rs746222222, ClinGen allele CA1989144.